The following is an entry in ClinVar:

ClinVar aggregate classification (germline): Uncertain significance (1 of 4 stars; one submission).

Submission:

Labcorp Genetics (formerly Invitae), Labcorp
Classification: Uncertain significance. Last evaluated: 2024-07-04. Review status: criteria provided, single submitter. Criteria: Invitae Variant Classification Sherloc (09022015). Collection method: clinical testing. Allele origin: germline.
Comment: This sequence change replaces alanine, which is neutral and non-polar, with glycine, which is neutral and non-polar, at codon 2539 of the ASPM protein (p.Ala2539Gly). This variant is not present in population databases (gnomAD no frequency). This variant has not been reported in the literature in individuals affected with ASPM-related conditions. Advanced modeling of protein sequence and biophysical properties (such as structural, functional, and spatial information, amino acid conservation, physicochemical variation, residue mobility, and thermodynamic stability) performed at Invitae indicates that this missense variant is not expected to disrupt ASPM protein function with a negative predictive value of 80%. In summary, the available evidence is currently insufficient to determine the role of this variant in disease. Therefore, it has been classified as a Variant of Uncertain Significance.

NM_018136.5(ASPM):c.7616C>G (p.Ala2539Gly)

Gene: ASPM (assembly factor for spindle microtubules; minus strand). Cytogenetic location: 1q31.3.
Variant type: single nucleotide variant.
Coding change: c.7616C>G on transcript NM_018136.5 (MANE Select); coding-DNA position 7616, C replaced by G.
Protein change: p.Ala2539Gly; replaces alanine 2539 with glycine.
Molecular consequence: missense variant. On other transcripts: intron variant (1).
Genome position (GRCh38, 1-based): chr1:197,101,635, G>C on the plus strand (C>G on the coding strand, the complement: ASPM is on the minus strand). VCF-style: chr1-197101635-G-C. GRCh37 (hg19) VCF-style: chr1-197070765-G-C.
Other names: c.4066-5471C>G (NM_001206846.2); short protein forms A2539G.
Identifiers: ClinVar variation 3658797 (VCV003658797.2).